The following is an entry in ClinVar:

NM_031418.4(ANO3):c.2738G>A (p.Arg913Lys)

Gene: ANO3 (anoctamin 3; plus strand). Cytogenetic location: 11p14.2.
Variant type: single nucleotide variant.
Coding change: c.2738G>A on transcript NM_031418.4 (MANE Select); coding-DNA position 2738, G replaced by A.
Protein change: p.Arg913Lys; replaces arginine 913 with lysine.
Molecular consequence: missense variant.
Genome position (GRCh38, 1-based): chr11:26,656,456, G>A. VCF-style: chr11-26656456-G-A. GRCh37 (hg19) VCF-style: chr11-26678003-G-A.
Other names: c.2921G>A, p.Arg974Lys (NM_001313726.2); c.2300G>A, p.Arg767Lys (NM_001313727.2); short protein forms R913K, R974K, R767K.
Identifiers: ClinVar variation 3681626 (VCV003681626.2).

ClinVar aggregate classification (germline): Uncertain significance (1 of 4 stars; one submission).

Conditions:
Dystonic disorder. Also called: Dystonia. Identifiers: MedGen C0013421, MONDO:0003441, HP:0001332.

gnomAD v4.1: 27 of 1,610,474 alleles (0.0017%); highest among the groups gnomAD compares: Non-Finnish European, 0.0023%; no homozygotes.

Submission:

Labcorp Genetics (formerly Invitae), Labcorp
Classification: Uncertain significance for Dystonic disorder. Last evaluated: 2024-07-24. Review status: criteria provided, single submitter. Criteria: Invitae Variant Classification Sherloc (09022015). Collection method: clinical testing. Allele origin: germline.
Comment: This sequence change replaces arginine, which is basic and polar, with lysine, which is basic and polar, at codon 913 of the ANO3 protein (p.Arg913Lys). This variant is present in population databases (no rsID available, gnomAD 0.0009%). This variant has not been reported in the literature in individuals affected with ANO3-related conditions. An algorithm developed to predict the effect of missense changes on protein structure and function (PolyPhen-2) suggests that this variant is likely to be disruptive. In summary, the available evidence is currently insufficient to determine the role of this variant in disease. Therefore, it has been classified as a Variant of Uncertain Significance.